The following is an entry in ClinVar:

ClinVar aggregate classification (germline): Uncertain significance (1 of 4 stars; one submission).

Conditions:
Frontotemporal dementia (FTD1). Also called: FRONTOTEMPORAL DEMENTIA WITH PARKINSONISM; FRONTOTEMPORAL LOBE DEMENTIA; Dementia, frontotemporal, with or without parkinsonism; MULTIPLE SYSTEM TAUOPATHY WITH PRESENILE DEMENTIA; FRONTOTEMPORAL LOBAR DEGENERATION WITH TAU INCLUSIONS; FTLD WITH TAU INCLUSIONS. Identifiers: Orphanet 282, MedGen C0338451, MONDO:0017276, OMIM 600274, HP:0002145.

Allele frequency attached by ClinVar (database versions not stated): gnomAD 0.00001; gnomAD exomes 0.00001; TOPMed 0.00001.
gnomAD v4.1: 5 of 1,613,956 alleles (0.00031%); highest among the groups gnomAD compares: Admixed American, 0.005%; no homozygotes.

Submission:

Labcorp Genetics (formerly Invitae), Labcorp
Classification: Uncertain significance for Frontotemporal dementia. Last evaluated: 2025-04-21. Review status: criteria provided, single submitter. Criteria: Invitae Variant Classification Sherloc (09022015). Collection method: clinical testing. Allele origin: germline.
Comment: This sequence change replaces glutamic acid, which is acidic and polar, with aspartic acid, which is acidic and polar, at codon 53 of the MAPT protein (p.Glu53Asp). This variant is present in population databases (no rsID available, gnomAD 0.003%). This variant has not been reported in the literature in individuals affected with MAPT-related conditions. ClinVar contains an entry for this variant (Variation ID: 2988430). An algorithm developed to predict the effect of missense changes on protein structure and function outputs the following: PolyPhen-2: "Benign". The aspartic acid amino acid residue is found in multiple mammalian species, which suggests that this missense change does not adversely affect protein function. In summary, the available evidence is currently insufficient to determine the role of this variant in disease. Therefore, it has been classified as a Variant of Uncertain Significance.

NM_001377265.1(MAPT):c.159G>C (p.Glu53Asp)

Gene: MAPT (microtubule associated protein tau). Cytogenetic location: 17q21.31.
Variant type: single nucleotide variant.
Coding change: c.159G>C on transcript NM_001377265.1 (MANE Select); coding-DNA position 159, G replaced by C.
Protein change: p.Glu53Asp; replaces glutamic acid 53 with aspartic acid.
Molecular consequence: missense variant. On other transcripts: non-coding transcript variant (1), intron variant (3).
Genome position (GRCh38, 1-based): chr17:45,971,884, G>C. VCF-style: chr17-45971884-G-C. GRCh37 (hg19) VCF-style: chr17-44049250-G-C.
Other names: c.159G>C, p.Glu53Asp (NM_001123066.4, NM_001123067.4, NM_001203251.2 and 5 more transcripts); c.134-6491G>C (NM_001377268.1, NM_016834.5, NM_016841.5); short protein forms E53D.
Identifiers: ClinVar variation 2988430 (VCV002988430.3), dbSNP rs1196222070, ClinGen allele CA399898082.